The following is an entry in ClinVar:

ClinVar aggregate classification (germline): Pathogenic (1 of 4 stars; one submission).

Conditions:
Bloom syndrome (BLM). Also called: Bloom-Torre-Machacek syndrome. Identifiers: Orphanet 125, MedGen C0005859, MONDO:0008876, OMIM 210900.

Submission:

Labcorp Genetics (formerly Invitae), Labcorp
Classification: Pathogenic for Bloom syndrome. Last evaluated: 2022-04-28. Review status: criteria provided, single submitter. Criteria: Invitae Variant Classification Sherloc (09022015). Collection method: clinical testing. Allele origin: germline.
Comment: For these reasons, this variant has been classified as Pathogenic. This variant has not been reported in the literature in individuals affected with BLM-related conditions. This variant is not present in population databases (gnomAD no frequency). This sequence change creates a premature translational stop signal (p.Asp606Glufs*13) in the BLM gene. It is expected to result in an absent or disrupted protein product. Loss-of-function variants in BLM are known to be pathogenic (PMID: 17407155).

Literature cited by the submitters: PubMed 17407155.

NM_000057.4(BLM):c.1817_1818insGT (p.Asp606fs)

Gene: BLM (BLM RecQ like helicase; plus strand). Cytogenetic location: 15q26.1.
Variant type: Insertion.
Coding change: c.1817_1818insGT on transcript NM_000057.4 (MANE Select); coding-DNA positions 1817 to 1818, GT inserted.
Protein change: p.Asp606fs; shifts the reading frame from aspartic acid 606.
Molecular consequence: frameshift variant.
Genome position: GRCh38 VCF-style: chr15-90761190-A-AGT. GRCh37 (hg19) VCF-style: chr15-91304420-A-AGT.
Other names: c.1817_1818insGT, p.Asp606fs (NM_001287246.2, NM_001287247.2); c.692_693insGT, p.Asp231fs (NM_001287248.2); short protein forms D231fs, D606fs.
Identifiers: ClinVar variation 2131586 (VCV002131586.4), dbSNP rs1895977771, ClinGen allele CA2195277312.